The following is an entry in ClinVar:

ClinVar aggregate classification (germline): Uncertain significance (1 of 4 stars; one submission).

gnomAD v4.1: 1 of 1,614,006 alleles (0.000062%); highest among the groups gnomAD compares: Non-Finnish European, 0.000085%; no homozygotes.

Submission:

Greenwood Genetic Center Diagnostic Laboratories, Greenwood Genetic Center
Classification: Uncertain significance. Last evaluated: 2025-12-16. Review status: criteria provided, single submitter. Criteria: ACMG Guidelines, 2015. Collection method: clinical testing. Allele origin: germline. Affected: yes.
Comment: PM2, BP4

NM_014712.3(SETD1A):c.278T>C (p.Leu93Pro)

Gene: SETD1A (SET domain containing 1A, histone lysine methyltransferase; plus strand). Cytogenetic location: 16p11.2.
Variant type: single nucleotide variant.
Coding change: c.278T>C on transcript NM_014712.3 (MANE Select); coding-DNA position 278, T replaced by C.
Protein change: p.Leu93Pro; replaces leucine 93 with proline.
Molecular consequence: missense variant.
Genome position (GRCh38, 1-based): chr16:30,961,298, T>C. VCF-style: chr16-30961298-T-C. GRCh37 (hg19) VCF-style: chr16-30972619-T-C.
Other names: short protein forms L93P.
Identifiers: ClinVar variation 4845537 (VCV004845537.1).
Genomic context (GRCh38, chr16:30,961,298, plus strand): 5'-CCCCATACCAACTCCTGTTCTTTCCCCAGCTGGACGAGTTCTATATTGGACAGATTCCAC[T>C]GAAGGAAGTGACTTTTGCAAGGCTGAATGACAACGTGCGGGAGACCTTCCTGAAGGATAT-3'
Protein context (NP_055527.1, residues 83-103): LDEFYIGQIP[Leu93Pro]KEVTFARLND